The following is an entry in ClinVar:

ClinVar aggregate classification (germline): Uncertain significance (1 of 4 stars; one submission).

Submission:

Labcorp Genetics (formerly Invitae), Labcorp
Classification: Uncertain significance. Last evaluated: 2022-07-30. Review status: criteria provided, single submitter. Criteria: Invitae Variant Classification Sherloc (09022015). Collection method: clinical testing. Allele origin: germline.
Comment: This variant has not been reported in the literature in individuals affected with GPR45-related conditions. This variant is not present in population databases (gnomAD no frequency). This sequence change affects codon 263 of the GPR45 mRNA. It is a 'silent' change, meaning that it does not change the encoded amino acid sequence of the GPR45 protein. In summary, the available evidence is currently insufficient to determine the role of this variant in disease. Therefore, it has been classified as a Variant of Uncertain Significance.

NM_007227.3(GPR45):c.789C>A (p.Thr263=)

Gene: GPR45 (G protein-coupled receptor 45; plus strand). Cytogenetic location: 2q12.1.
Variant type: single nucleotide variant.
Coding change: c.789C>A on transcript NM_007227.3 (MANE Select); coding-DNA position 789, C replaced by A.
Protein change: p.Thr263=; no amino-acid change (threonine 263 retained).
Molecular consequence: synonymous variant.
Genome position (GRCh38, 1-based): chr2:105,242,647, C>A. VCF-style: chr2-105242647-C-A. GRCh37 (hg19) VCF-style: chr2-105859104-C-A.
Identifiers: ClinVar variation 2020621 (VCV002020621.4), dbSNP rs2466838926, ClinGen allele CA428208622.